The following is an entry in ClinVar:

ClinVar aggregate classification (germline): Uncertain significance (1 of 4 stars; one submission).

Submission:

GeneDx
Classification: Uncertain significance. Last evaluated: 2021-05-21. Review status: criteria provided, single submitter. Criteria: GeneDx Variant Classification Process June 2021. Collection method: clinical testing. Allele origin: germline. Affected: yes.
Comment: Not observed in large population cohorts (Lek et al., 2016); In silico analysis supports that this missense variant has a deleterious effect on protein structure/function; Has not been previously published as pathogenic or benign to our knowledge

NM_001353345.2(SETD1B):c.3980C>A (p.Pro1327His)

Gene: SETD1B (SET domain containing 1B, histone lysine methyltransferase; plus strand). Cytogenetic location: 12q24.31.
Variant type: single nucleotide variant.
Coding change: c.3980C>A on transcript NM_001353345.2 (MANE Select); coding-DNA position 3980, C replaced by A.
Protein change: p.Pro1327His; replaces proline 1327 with histidine.
Molecular consequence: missense variant.
Genome position (GRCh38, 1-based): chr12:121,822,559, C>A. VCF-style: chr12-121822559-C-A. GRCh37 (hg19) VCF-style: chr12-122260465-C-A.
Other names: short protein forms P1327H.
Identifiers: ClinVar variation 1327740 (VCV001327740.2), dbSNP rs866437378, ClinGen allele CA386998091.